The following is an entry in ClinVar:

ClinVar aggregate classification (germline): Pathogenic/Likely pathogenic. Review status: criteria provided, multiple submitters, no conflicts (2 of 4 stars). 2 submissions from 2 submitters: Pathogenic (1); Likely pathogenic (1). Last evaluated 2025-05-02.

Conditions:
Cardiovascular phenotype. Identifiers: MedGen CN230736.
Hereditary cancer-predisposing syndrome. Also called: Hereditary neoplastic syndrome; Tumor predisposition; Neoplastic Syndromes, Hereditary; Hereditary Cancer Syndrome. Identifiers: Orphanet 140162, MedGen C0027672, MeSH D009386, MONDO:0015356.
Neurofibromatosis, type 1 (NF1). Also called: VON RECKLINGHAUSEN DISEASE; NEUROFIBROMATOSIS, TYPE I, SOMATIC; Peripheral type neurofibromatosis; Neurofibromatosis, type I. Identifiers: Orphanet 636, MedGen C0027831, MONDO:0018975, OMIM 162200. Disease mechanism: loss of function.

Submissions (2):

Ambry Genetics
Classification: Likely pathogenic for Cardiovascular phenotype; Hereditary cancer-predisposing syndrome. Last evaluated: 2025-05-02. Review status: criteria provided, single submitter. Criteria: Ambry Variant Classification Scheme 2023. Collection method: clinical testing. Allele origin: germline.
Comment: The c.4515-2A>C intronic variant results from an A to C substitution two nucleotides upstream from coding exon 34 in the NF1 gene. This variant was reported in individual(s) with features consistent with Neurofibromatosis type 1 (Ambry internal data). This nucleotide position is highly conserved in available vertebrate species. In silico splice site analysis predicts that this alteration will weaken the native splice acceptor site and may result in the creation or strengthening of a novel splice acceptor site. RNA studies have demonstrated that this alteration results in abnormal splicing in the set of samples tested (Ambry internal data). This variant is considered to be rare based on population cohorts in the Genome Aggregation Database (gnomAD). Based on the majority of available evidence to date, this variant is likely to be pathogenic.

Labcorp Genetics (formerly Invitae), Labcorp
Classification: Pathogenic for Neurofibromatosis, type 1. Last evaluated: 2022-01-11. Review status: criteria provided, single submitter. Criteria: Invitae Variant Classification Sherloc (09022015). Collection method: clinical testing. Allele origin: germline.
Comment: For these reasons, this variant has been classified as Pathogenic. Algorithms developed to predict the effect of sequence changes on RNA splicing suggest that this variant may disrupt the consensus splice site. ClinVar contains an entry for this variant (Variation ID: 955585). Disruption of this splice site has been observed in individuals with neurofibromatosis type 1 (NF1) (PMID: 10712197, 10862084, 30001348). It has also been observed to segregate with disease in related individuals. This variant is not present in population databases (gnomAD no frequency). This sequence change affects an acceptor splice site in intron 33 of the NF1 gene. It is expected to disrupt RNA splicing. Variants that disrupt the donor or acceptor splice site typically lead to a loss of protein function (PMID: 16199547), and loss-of-function variants in NF1 are known to be pathogenic (PMID: 10712197, 23913538).

Literature cited by the submitters: PubMed 10712197 (cited by Labcorp Genetics (formerly Invitae), Labcorp); PubMed 10862084 (cited by Labcorp Genetics (formerly Invitae), Labcorp); PubMed 30001348 (cited by Labcorp Genetics (formerly Invitae), Labcorp); PubMed 16199547 (cited by Labcorp Genetics (formerly Invitae), Labcorp); PubMed 23913538 (cited by Labcorp Genetics (formerly Invitae), Labcorp).

NM_001042492.3(NF1):c.4578-2A>C

Gene: NF1 (neurofibromin 1; plus strand). Cytogenetic location: 17q11.2.
Variant type: single nucleotide variant.
Coding change: c.4578-2A>C on transcript NM_001042492.3 (MANE Select); the canonical splice acceptor site of the intron before coding-DNA position 4578, A replaced by C.
Molecular consequence: splice acceptor variant.
Genome position (GRCh38, 1-based): chr17:31,261,709, A>C. VCF-style: chr17-31261709-A-C. GRCh37 (hg19) VCF-style: chr17-29588727-A-C.
Other names: c.4515-2A>C (NM_000267.4).
Identifiers: ClinVar variation 955585 (VCV000955585.8), dbSNP rs1555618996, ClinGen allele CA399000072.